The following is an entry in ClinVar:

NM_000264.5(PTCH1):c.2346del (p.Arg783fs)

Genes: PTCH1 (patched 1; minus strand), LOC100507346 (uncharacterized LOC100507346; plus strand). Cytogenetic location: 9q22.32.
Variant type: Deletion.
Coding change: c.2346del on transcript NM_000264.5 (MANE Select); coding-DNA position 2346, one base deleted (T; older notation c.2346delT).
Protein change: p.Arg783fs; shifts the reading frame from arginine 783.
Molecular consequence: frameshift variant.
Genome position (GRCh38, 1-based): chr9:95,467,330, A deleted on the plus strand (T on the coding strand, the reverse complement: PTCH1 is on the minus strand). VCF-style (leftmost placement, unchanged base first): chr9-95467329-GA-G. GRCh37 (hg19) VCF-style: chr9-98229611-GA-G.
Other names: c.2148del, p.Arg717fs (NM_001083602.3); c.2343del, p.Arg782fs (NM_001083603.3); c.1893del, p.Arg632fs (NM_001083604.3, NM_001083605.3, NM_001083606.3 and 1 more transcripts); c.2190del, p.Arg731fs (NM_001354918.2); short protein forms R717fs, R783fs, R632fs, R731fs, R782fs.
Identifiers: ClinVar variation 842591 (VCV000842591.8), dbSNP rs1840101155, ClinGen allele CA916081546.

ClinVar aggregate classification (germline): Pathogenic (1 of 4 stars; one submission).

Conditions:
Gorlin syndrome. Also called: Nevoid Basal Cell Carcinoma Syndrome; Basal cell nevus syndrome. Identifiers: Orphanet 377, MedGen C0004779, MONDO:0007187.

Submission:

Labcorp Genetics (formerly Invitae), Labcorp
Classification: Pathogenic for Gorlin syndrome. Last evaluated: 2020-03-09. Review status: criteria provided, single submitter. Criteria: Invitae Variant Classification Sherloc (09022015). Collection method: clinical testing. Allele origin: germline.
Comment: This sequence change creates a premature translational stop signal (p.Arg783Glyfs*23) in the PTCH1 gene. It is expected to result in an absent or disrupted protein product. For these reasons, this variant has been classified as Pathogenic. Loss-of-function variants in PTCH1 are known to be pathogenic (PMID: 16301862, 16419085). This variant has not been reported in the literature in individuals with PTCH1-related conditions. This variant is not present in population databases (ExAC no frequency).

Literature cited by the submitters: PubMed 16301862; PubMed 16419085.